The following is an entry in ClinVar:

ClinVar aggregate classification (germline): Uncertain significance (1 of 4 stars; one submission).

Conditions:
Complement component 3 deficiency. Identifiers: Orphanet 280133, MedGen C3151071, MONDO:0013417, OMIM 613779.
C3 glomerulonephritis. Also called: Nephropathy due to CFHR5 Deficiency; C3 GLOMERULOPATHY 3. Identifiers: Orphanet 329931, MedGen C4055342, MONDO:0013892, OMIM 614809.
Atypical hemolytic-uremic syndrome. Identifiers: Orphanet 2134, MedGen C2931788, MONDO:0016244.

Submission:

Genomenon, Inc
Classification: Uncertain significance for Complement component 3 deficiency; C3 glomerulonephritis; Atypical hemolytic-uremic syndrome. Last evaluated: 2025-09-30. Review status: criteria provided, single submitter. Criteria: Genomenon Sequence Variant Interpretation Standards. Collection method: curation. Allele origin: germline. Affected: no.
Comment: C3 p.Glu766Ala (c.2297A>C) is a missense variant that changes the amino acid at residue 766 from Glutamic acid to Alanine. This variant has been reported in the published literature (PMID:9988761). It is absent or not present at a significant frequency in gnomAD. In silico models agree that this variant is not damaging. In conclusion, we classify C3 p.Glu766Ala (c.2297A>C) as a variant of unknown significance.

Literature cited by the submitters: PubMed 9988761.

NM_000064.4(C3):c.2297A>C (p.Glu766Ala)

Gene: C3 (complement C3; minus strand). Cytogenetic location: 19p13.3.
Variant type: single nucleotide variant.
Coding change: c.2297A>C on transcript NM_000064.4 (MANE Select); coding-DNA position 2297, A replaced by C.
Protein change: p.Glu766Ala; replaces glutamic acid 766 with alanine.
Molecular consequence: missense variant.
Genome position (GRCh38, 1-based): chr19:6,702,528, T>G on the plus strand (A>C on the coding strand, the complement: C3 is on the minus strand). VCF-style: chr19-6702528-T-G. GRCh37 (hg19) VCF-style: chr19-6702539-T-G.
Other names: short protein forms E766A.
Identifiers: ClinVar variation 4280158 (VCV004280158.1).